The following is an entry in ClinVar:

ClinVar aggregate classification (germline): Pathogenic (1 of 4 stars; one submission).

Conditions:
Ataxia-telangiectasia syndrome (AT). Also called: LOUIS-BAR SYNDROME; Cerebello-oculocutaneous telangiectasia; Immunodeficiency with ataxia telangiectasia; Ataxia-telangiectasia, complementation group D; AT, COMPLEMENTATION GROUP C; Ataxia-telangiectasia, complementation group E. Identifiers: Orphanet 100, MedGen C0004135, MONDO:0008840, OMIM 208900.

Submission:

Labcorp Genetics (formerly Invitae), Labcorp
Classification: Pathogenic for Ataxia-telangiectasia syndrome. Last evaluated: 2022-11-15. Review status: criteria provided, single submitter. Criteria: Invitae Variant Classification Sherloc (09022015). Collection method: clinical testing. Allele origin: germline.
Comment: Disruption of this splice site has been observed in individual(s) with ataxia-telangiectasia (Invitae). In at least one individual the data is consistent with being in trans (on the opposite chromosome) from a pathogenic variant. For these reasons, this variant has been classified as Pathogenic. Studies have shown that disruption of this splice site results in activation of a cryptic splice site and introduces a premature termination codon (Invitae). The resulting mRNA is expected to undergo nonsense-mediated decay. ClinVar contains an entry for this variant (Variation ID: 453716). This variant is not present in population databases (gnomAD no frequency). This sequence change affects an acceptor splice site in intron 54 of the ATM gene. RNA analysis indicates that disruption of this splice site induces altered splicing and may result in an absent or disrupted protein product.

NM_000051.4(ATM):c.8011-1G>T

Genes: ATM (ATM serine/threonine kinase; plus strand), C11orf65 (chromosome 11 open reading frame 65; minus strand). Cytogenetic location: 11q22.3.
Variant type: single nucleotide variant.
Coding change: c.8011-1G>T on transcript NM_000051.4 (MANE Select); the canonical splice acceptor site of the intron before coding-DNA position 8011, G replaced by T.
Molecular consequence: splice acceptor variant. On other transcripts: intron variant (2).
Genome position (GRCh38, 1-based): chr11:108,334,968, G>T. VCF-style: chr11-108334968-G-T. GRCh37 (hg19) VCF-style: chr11-108205695-G-T.
Other names: c.8011-1G>T (NM_001351834.2); c.641-25897C>A (NM_001330368.2); c.*38+252C>A (NM_001351110.2).
Identifiers: ClinVar variation 453716 (VCV000453716.7), dbSNP rs1555127017, ClinGen allele CA382561832.
Genomic context (GRCh38, chr11:108,334,968, plus strand): 5'-TTTTCTTTAAGTGCAAATAGTGTATCTGACCTATTATCAATCATGTTTATACTTTTATTA[G>T]GTGGACCACACAGGAGAATATGGAAATCTGGTGACTATACAGTCATTTAAAGCAGAATTT-3'